The following is an entry in ClinVar:

ClinVar aggregate classification (germline): Conflicting classifications of pathogenicity. Review status: criteria provided, conflicting classifications (1 of 4 stars). 2 submissions from 2 submitters: Uncertain significance (1); Likely benign (1). Last evaluated 2022-11-15.

Conditions:
Hereditary cancer-predisposing syndrome. Also called: Hereditary Cancer Syndrome; Hereditary neoplastic syndrome; Neoplastic Syndromes, Hereditary; Tumor predisposition. Identifiers: Orphanet 140162, MedGen C0027672, MeSH D009386, MONDO:0015356.
Tumor predisposition syndrome 3 (TPDS3). Also called: Melanoma, cutaneous malignant, susceptibility to, 10; Glioma susceptibility 9; LONG TELOMERE SYNDROME, POT1-RELATED; POT1 Tumor Predisposition. Identifiers: Orphanet 618, MedGen C4014476, MONDO:0014368, OMIM 615848.

Submissions (2):

Labcorp Genetics (formerly Invitae), Labcorp
Classification: Uncertain significance for Tumor predisposition syndrome 3. Last evaluated: 2022-11-15. Review status: criteria provided, single submitter. Criteria: Invitae Variant Classification Sherloc (09022015). Collection method: clinical testing. Allele origin: germline.
Comment: This variant has not been reported in the literature in individuals affected with POT1-related conditions. This variant is not present in population databases (gnomAD no frequency). This sequence change affects codon 253 of the POT1 mRNA. It is a 'silent' change, meaning that it does not change the encoded amino acid sequence of the POT1 protein. Algorithms developed to predict the effect of sequence changes on RNA splicing suggest that this variant may create or strengthen a splice site. In summary, the available evidence is currently insufficient to determine the role of this variant in disease. Therefore, it has been classified as a Variant of Uncertain Significance.

Ambry Genetics
Classification: Likely benign for Hereditary cancer-predisposing syndrome. Last evaluated: 2020-03-16. Review status: criteria provided, single submitter. Criteria: Ambry Variant Classification Scheme 2023. Collection method: clinical testing. Allele origin: germline.

NM_015450.3(POT1):c.759A>G (p.Ser253=)

Gene: POT1 (protection of telomeres 1; minus strand). Cytogenetic location: 7q31.33.
Variant type: single nucleotide variant.
Coding change: c.759A>G on transcript NM_015450.3 (MANE Select); coding-DNA position 759, A replaced by G.
Protein change: p.Ser253=; no amino-acid change (serine 253 retained).
Molecular consequence: synonymous variant. On other transcripts: non-coding transcript variant (3).
Genome position (GRCh38, 1-based): chr7:124,853,082, T>C on the plus strand (A>G on the coding strand, the complement: POT1 is on the minus strand). VCF-style: chr7-124853082-T-C. GRCh37 (hg19) VCF-style: chr7-124493136-T-C.
Other names: c.366A>G, p.Ser122= (NM_001042594.2).
Identifiers: ClinVar variation 1759683 (VCV001759683.5), dbSNP rs2485441911, ClinGen allele CA457467485.